The following is an entry in ClinVar:

ClinVar aggregate classification (germline): Pathogenic (1 of 4 stars; one submission).

Conditions:
Desmin-related myofibrillar myopathy (MFM1). Also called: Desminopathy; Desmin related myopathy (former name); Desmin storage myopathy (former name); MYOFIBRILLAR MYOPATHY WITH ARRHYTHMOGENIC RIGHT VENTRICULAR CARDIOMYOPATHY; DESMIN-RELATED MYOPATHY WITH ARRHYTHMOGENIC RIGHT VENTRICULAR CARDIOMYOPATHY; Myofibrillar myopathy 1. Identifiers: Orphanet 363543, Orphanet 98909, MedGen C1832370, MONDO:0011076, OMIM 601419.

Submission:

Labcorp Genetics (formerly Invitae), Labcorp
Classification: Pathogenic for Desmin-related myofibrillar myopathy. Last evaluated: 2025-09-15. Review status: criteria provided, single submitter. Criteria: Invitae Variant Classification Sherloc (09022015). Collection method: clinical testing. Allele origin: germline.
Comment: This sequence change creates a premature translational stop signal (p.Arg52Alafs*46) in the DES gene. It is expected to result in an absent or disrupted protein product. Loss-of-function variants in DES are known to be pathogenic (PMID: 23575897). This variant is not present in population databases (gnomAD no frequency). This variant has not been reported in the literature in individuals affected with DES-related conditions. For these reasons, this variant has been classified as Pathogenic.

Literature cited by the submitters: PubMed 23575897.

NM_001927.4(DES):c.154del (p.Arg52fs)

Gene: DES (desmin; plus strand). Cytogenetic location: 2q35.
Variant type: Deletion.
Coding change: c.154del on transcript NM_001927.4 (MANE Select); coding-DNA position 154, one base deleted (C; older notation c.154delC).
Protein change: p.Arg52fs; shifts the reading frame from arginine 52.
Molecular consequence: frameshift variant.
Genome position (GRCh38, 1-based): chr2:219,418,616, C deleted; the last of 3 consecutive C bases (chr2:219,418,614-219,418,616); deleting any one gives the same sequence. VCF-style (leftmost placement, unchanged base first): chr2-219418613-TC-T. GRCh37 (hg19) VCF-style: chr2-220283335-TC-T.
Other names: c.154del, p.Arg52fs (NM_001382708.1, NM_001382709.1, NM_001382710.1 and 3 more transcripts); short protein forms R52fs.
Identifiers: ClinVar variation 4784475 (VCV004784475.1).